The following is an entry in ClinVar:

ClinVar aggregate classification (germline): Uncertain significance (1 of 4 stars; one submission).

Conditions:
Inborn genetic diseases. Identifiers: MedGen C0950123, MeSH D030342.

gnomAD v4.1: 1 of 1,595,630 alleles (0.000063%); no homozygotes.

Submission:

Ambry Genetics
Classification: Uncertain significance for Inborn genetic diseases. Last evaluated: 2026-06-20. Review status: criteria provided, single submitter. Criteria: Ambry Variant Classification Scheme 2023. Collection method: clinical testing. Allele origin: germline.
Comment: The p.E467G variant (also known as c.1400A>G), located in coding exon 12 of the KDM1A gene, results from an A to G substitution at nucleotide position 1400. The glutamic acid at codon 467 is replaced by glycine, an amino acid with similar properties. This amino acid position is conserved. In addition, this alteration is predicted to be tolerated by in silico analysis. Based on the available evidence, the clinical significance of this variant remains unclear.

NM_001009999.3(KDM1A):c.1400A>G (p.Glu467Gly)

Gene: KDM1A (lysine demethylase 1A; plus strand). Cytogenetic location: 1p36.12.
Variant type: single nucleotide variant.
Coding change: c.1400A>G on transcript NM_001009999.3 (MANE Select); coding-DNA position 1400, A replaced by G.
Protein change: p.Glu467Gly; replaces glutamic acid 467 with glycine.
Molecular consequence: missense variant.
Genome position (GRCh38, 1-based): chr1:23,069,138, A>G. VCF-style: chr1-23069138-A-G. GRCh37 (hg19) VCF-style: chr1-23395631-A-G.
Other names: c.1328A>G, p.Glu443Gly (NM_001363654.2, NM_001410763.1, NM_015013.4); c.1388A>G, p.Glu463Gly (NM_001410762.1); short protein forms E463G, E443G, E467G.
Identifiers: ClinVar variation 5023046 (VCV005023046.1).